The following is an entry in ClinVar:

NM_001130009.3(GEN1):c.236C>G (p.Pro79Arg)

Gene: GEN1 (GEN1 structure-specific endonuclease; plus strand). Cytogenetic location: 2p24.2.
Variant type: single nucleotide variant.
Coding change: c.236C>G on transcript NM_001130009.3 (MANE Select); coding-DNA position 236, C replaced by G.
Protein change: p.Pro79Arg; replaces proline 79 with arginine.
Molecular consequence: missense variant.
Genome position (GRCh38, 1-based): chr2:17,761,470, C>G. VCF-style: chr2-17761470-C-G. GRCh37 (hg19) VCF-style: chr2-17942737-C-G.
Other names: c.236C>G, p.Pro79Arg (NM_182625.5); short protein forms P79R.
Identifiers: ClinVar variation 2748366 (VCV002748366.3), dbSNP rs2545548036, ClinGen allele CA345906420.

ClinVar aggregate classification (germline): Uncertain significance (1 of 4 stars; one submission).

Allele frequency attached by ClinVar (database versions not stated): gnomAD exomes below 0.00001.
gnomAD v4.1: 2 of 1,612,926 alleles (0.00012%); highest among the groups gnomAD compares: Non-Finnish European, 0.00017%; no homozygotes.

Submission:

Labcorp Genetics (formerly Invitae), Labcorp
Classification: Uncertain significance. Last evaluated: 2023-07-30. Review status: criteria provided, single submitter. Criteria: Invitae Variant Classification Sherloc (09022015). Collection method: clinical testing. Allele origin: germline.
Comment: In summary, the available evidence is currently insufficient to determine the role of this variant in disease. Therefore, it has been classified as a Variant of Uncertain Significance. An algorithm developed to predict the effect of missense changes on protein structure and function (PolyPhen-2) suggests that this variant is likely to be disruptive. This variant has not been reported in the literature in individuals affected with GEN1-related conditions. This variant is not present in population databases (gnomAD no frequency). This sequence change replaces proline, which is neutral and non-polar, with arginine, which is basic and polar, at codon 79 of the GEN1 protein (p.Pro79Arg).